The following is an entry in ClinVar:

NM_000038.6(APC):c.4316C>T (p.Pro1439Leu)

Gene: APC (APC regulator of Wnt signaling pathway; plus strand). Cytogenetic location: 5q22.2.
Variant type: single nucleotide variant.
Coding change: c.4316C>T on transcript NM_000038.6 (MANE Select); coding-DNA position 4316, C replaced by T.
Protein change: p.Pro1439Leu; replaces proline 1439 with leucine.
Molecular consequence: missense variant.
Genome position (GRCh38, 1-based): chr5:112,839,910, C>T. VCF-style: chr5-112839910-C-T. GRCh37 (hg19) VCF-style: chr5-112175607-C-T.
Other names: c.4316C>T, p.Pro1439Leu (NM_001127510.3, NM_001354895.2); c.4262C>T, p.Pro1421Leu (NM_001127511.3); c.4370C>T, p.Pro1457Leu (NM_001354896.2); c.4346C>T, p.Pro1449Leu (NM_001354897.2); c.4241C>T, p.Pro1414Leu (NM_001354898.2); c.4232C>T, p.Pro1411Leu (NM_001354899.2); c.4193C>T, p.Pro1398Leu (NM_001354900.2); c.4139C>T, p.Pro1380Leu (NM_001354901.2); and 5 more; short protein forms P1156L, P1279L, P1313L, P1338L, P1348L, P1380L, P1398L, P1411L.
Identifiers: ClinVar variation 1005007 (VCV001005007.10), dbSNP rs1765648182, ClinGen allele CA16030794.
Genomic context (GRCh38, chr5:112,839,910, plus strand): 5'-GCCCCAGTGATCTTCCAGATAGCCCTGGACAAACCATGCCACCAAGCAGAAGTAAAACAC[C>T]TCCACCACCTCCTCAAACAGCTCAAACCAAGCGAGAAGTACCTAAAAATAAAGCACCTAC-3'
Protein context (NP_000029.2, residues 1429-1449): QTMPPSRSKT[Pro1439Leu]PPPPQTAQTK

ClinVar aggregate classification (germline): Uncertain significance (1 of 4 stars; one submission).

Conditions:
Familial adenomatous polyposis 1 (FAP1). Also called: FAMILIAL ADENOMATOUS POLYPOSIS 1, ATTENUATED; POLYPOSIS, ADENOMATOUS INTESTINAL. Identifiers: MedGen C2713442, MONDO:0021056, OMIM 175100. Disease mechanism: loss of function.

Submission:

Labcorp Genetics (formerly Invitae), Labcorp
Classification: Uncertain significance for Familial adenomatous polyposis 1. Last evaluated: 2024-04-30. Review status: criteria provided, single submitter. Criteria: Invitae Variant Classification Sherloc (09022015). Collection method: clinical testing. Allele origin: germline.
Comment: This sequence change replaces proline, which is neutral and non-polar, with leucine, which is neutral and non-polar, at codon 1439 of the APC protein (p.Pro1439Leu). This variant is not present in population databases (gnomAD no frequency). This variant has not been reported in the literature in individuals affected with APC-related conditions. ClinVar contains an entry for this variant (Variation ID: 1005007). Advanced modeling of protein sequence and biophysical properties (such as structural, functional, and spatial information, amino acid conservation, physicochemical variation, residue mobility, and thermodynamic stability) performed at Invitae indicates that this missense variant is not expected to disrupt APC protein function with a negative predictive value of 95%. In summary, the available evidence is currently insufficient to determine the role of this variant in disease. Therefore, it has been classified as a Variant of Uncertain Significance.